The following is an entry in ClinVar:

ClinVar aggregate classification (germline): Uncertain significance (1 of 4 stars; one submission).

Conditions:
Duchenne muscular dystrophy (DMD). Also called: MUSCULAR DYSTROPHY, PSEUDOHYPERTROPHIC PROGRESSIVE, DUCHENNE TYPE; Duchenne Muscular Dystrophy (DMD). Identifiers: Orphanet 98896, MedGen C0013264, MONDO:0010679, OMIM 310200.

Allele frequency attached by ClinVar (database versions not stated): TOPMed below 0.00001.

Submission:

Labcorp Genetics (formerly Invitae), Labcorp
Classification: Uncertain significance for Duchenne muscular dystrophy. Last evaluated: 2025-05-08. Review status: criteria provided, single submitter. Criteria: Invitae Variant Classification Sherloc (09022015). Collection method: clinical testing. Allele origin: germline.
Comment: This sequence change replaces aspartic acid, which is acidic and polar, with glycine, which is neutral and non-polar, at codon 1888 of the DMD protein (p.Asp1888Gly). This variant is not present in population databases (gnomAD no frequency). This variant has not been reported in the literature in individuals affected with DMD-related conditions. ClinVar contains an entry for this variant (Variation ID: 1985604). Invitae Evidence Modeling of protein sequence and biophysical properties (such as structural, functional, and spatial information, amino acid conservation, physicochemical variation, residue mobility, and thermodynamic stability) indicates that this missense variant is not expected to disrupt DMD protein function with a negative predictive value of 95%. In summary, the available evidence is currently insufficient to determine the role of this variant in disease. Therefore, it has been classified as a Variant of Uncertain Significance.

NM_004006.3(DMD):c.5663A>G (p.Asp1888Gly)

Gene: DMD (dystrophin; minus strand). Cytogenetic location: Xp21.1.
Variant type: single nucleotide variant.
Coding change: c.5663A>G on transcript NM_004006.3 (MANE Select); coding-DNA position 5663, A replaced by G.
Protein change: p.Asp1888Gly; replaces aspartic acid 1888 with glycine.
Molecular consequence: missense variant.
Genome position (GRCh38, 1-based): chrX:32,343,210, T>C on the plus strand (A>G on the coding strand, the complement: DMD is on the minus strand). VCF-style: chrX-32343210-T-C. GRCh37 (hg19) VCF-style: chrX-32361327-T-C.
Other names: c.5639A>G, p.Asp1880Gly (NM_000109.4); c.5651A>G, p.Asp1884Gly (NM_004009.3); c.5294A>G, p.Asp1765Gly (NM_004010.3); c.1640A>G, p.Asp547Gly (NM_004011.4); c.1631A>G, p.Asp544Gly (NM_004012.4); short protein forms D1880G, D1888G, D1765G, D1884G, D544G, D547G.
Identifiers: ClinVar variation 1985604 (VCV001985604.3), dbSNP rs2097753317, ClinGen allele CA412665957.